The following is an entry in ClinVar:

ClinVar aggregate classification (germline): Pathogenic (1 of 4 stars; one submission).

Conditions:
Deficiency of acetyl-CoA acetyltransferase. Also called: MITOCHONDRIAL ACETOACETYL-CoA THIOLASE DEFICIENCY; Beta-ketothiolase deficiency; 3-KETOTHIOLASE DEFICIENCY; 3-OXOTHIOLASE DEFICIENCY. Identifiers: Orphanet 134, MedGen C1536500, MONDO:0008760, OMIM 203750. Disease mechanism: loss of function.

Submission:

Labcorp Genetics (formerly Invitae), Labcorp
Classification: Pathogenic for Deficiency of acetyl-CoA acetyltransferase. Last evaluated: 2022-09-07. Review status: criteria provided, single submitter. Criteria: Invitae Variant Classification Sherloc (09022015). Collection method: clinical testing. Allele origin: germline.
Comment: This sequence change creates a premature translational stop signal (p.Ala283Cysfs*6) in the ACAT1 gene. It is expected to result in an absent or disrupted protein product. Loss-of-function variants in ACAT1 are known to be pathogenic (PMID: 7749408). This variant is not present in population databases (gnomAD no frequency). This variant has not been reported in the literature in individuals affected with ACAT1-related conditions. ClinVar contains an entry for this variant (Variation ID: 1384281). For these reasons, this variant has been classified as Pathogenic.

Literature cited by the submitters: PubMed 7749408.

NM_000019.4(ACAT1):c.846dup (p.Ala283fs)

Gene: ACAT1 (acetyl-CoA acetyltransferase 1; plus strand). Cytogenetic location: 11q22.3.
Variant type: Duplication.
Coding change: c.846dup on transcript NM_000019.4 (MANE Select); coding-DNA position 846, one base duplicated (T; older notation c.846dupT).
Protein change: p.Ala283fs; shifts the reading frame from alanine 283.
Molecular consequence: frameshift variant. On other transcripts: non-coding transcript variant (2).
Genome position (GRCh38, 1-based): chr11:108,142,456, T duplicated. VCF-style (leftmost placement, unchanged base first): chr11-108142455-A-AT. GRCh37 (hg19) VCF-style: chr11-108013182-A-AT.
Other names: c.846dup, p.Ala283fs (NM_001386677.1); c.531dup, p.Ala178fs (NM_001386678.1); c.549dup, p.Ala184fs (NM_001386679.1); c.576dup, p.Ala193fs (NM_001386681.1, NM_001386682.1, NM_001386685.1 and 6 more transcripts); short protein forms A178fs, A193fs, A184fs, A283fs.
Identifiers: ClinVar variation 1384281 (VCV001384281.6), dbSNP rs2134772571, ClinGen allele CA2573146380.